The following is an entry in ClinVar:

NM_001323289.2(CDKL5):c.1500C>A (p.Asn500Lys)

Gene: CDKL5 (cyclin dependent kinase like 5; plus strand). Cytogenetic location: Xp22.13.
Variant type: single nucleotide variant.
Coding change: c.1500C>A on transcript NM_001323289.2 (MANE Select); coding-DNA position 1500, C replaced by A.
Protein change: p.Asn500Lys; replaces asparagine 500 with lysine.
Molecular consequence: missense variant.
Genome position (GRCh38, 1-based): chrX:18,604,424, C>A. VCF-style: chrX-18604424-C-A. GRCh37 (hg19) VCF-style: chrX-18622544-C-A.
Other names: p.N500K:AAC>AAA; c.1500C>A, p.Asn500Lys (NM_001037343.2, NM_003159.3); short protein forms N500K.
Identifiers: ClinVar variation 156683 (VCV000156683.26), dbSNP rs587783152, ClinGen allele CA294751.

ClinVar aggregate classification (germline): Uncertain significance. Review status: criteria provided, multiple submitters, no conflicts (2 of 4 stars). 2 submissions from 2 submitters: Uncertain significance (2). Last evaluated 2023-04-01.

Submissions (2):

CeGaT Center for Human Genetics Tuebingen
Classification: Uncertain significance. Last evaluated: 2023-04-01. Review status: criteria provided, single submitter. Criteria: CeGaT Center For Human Genetics Tuebingen Variant Classification Criteria Version 2. Collection method: clinical testing. Allele origin: germline. Affected: yes. Observed: 1 variant allele.
Comment: CDKL5: PM2

GeneDx
Classification: Uncertain significance. Last evaluated: 2018-10-22. Review status: criteria provided, single submitter. Criteria: GeneDx Variant Classification (06012015). Collection method: clinical testing. Allele origin: germline. Affected: yes.
Comment: A variant of uncertain significance has been identified in the CDKL5 gene. The N500K variant has not been published as a pathogenic variant, nor has it been reported as a benign variant to our knowledge. This variant is not observed in large population cohorts (Lek et al., 2016). The N500K variant is a semi-conservative amino acid substitution, which may impact secondary protein structure as these residues differ in some properties. In-silico analyses, including protein predictors and evolutionary conservation, support that this variant does not alter protein structure/function. Therefore, based on the currently available information, it is unclear whether the N500K variant is a pathogenic variant or a rare benign variant.